The following is an entry in ClinVar:

ClinVar aggregate classification (germline): Likely benign. Review status: criteria provided, multiple submitters, no conflicts (2 of 4 stars). 2 submissions from 2 submitters: Likely benign (2). Last evaluated 2026-03-22.

Conditions:
HNF4A-related disorder. Also called: HNF4A-related condition.

gnomAD v4.1: 38 of 1,613,916 alleles (0.0024%); highest among the groups gnomAD compares: Middle Eastern, 0.082%; no homozygotes.

Submissions (2):

PreventionGenetics, part of Exact Sciences
Classification: Likely benign for HNF4A-related condition. Last evaluated: 2026-03-22. Review status: criteria provided, single submitter. Criteria: ACMG Guidelines, 2015. Collection method: clinical testing. Allele origin: germline.
Comment: This variant is classified as likely benign based on ACMG/AMP sequence variant interpretation guidelines (Richards et al. 2015 PMID: 25741868, with internal and published modifications).

Labcorp Genetics (formerly Invitae), Labcorp
Classification: Likely benign. Last evaluated: 2026-01-06. Review status: criteria provided, single submitter. Criteria: Invitae Variant Classification Sherloc (09022015). Collection method: clinical testing. Allele origin: germline.

NM_175914.5(HNF4A):c.528C>T (p.Leu176=)

Gene: HNF4A (hepatocyte nuclear factor 4 alpha; plus strand). Cytogenetic location: 20q13.12.
Variant type: single nucleotide variant.
Coding change: c.528C>T on transcript NM_175914.5 (MANE Select); coding-DNA position 528, C replaced by T.
Protein change: p.Leu176=; no amino-acid change (leucine 176 retained).
Molecular consequence: synonymous variant.
Genome position (GRCh38, 1-based): chr20:44,414,608, C>T. VCF-style: chr20-44414608-C-T. GRCh37 (hg19) VCF-style: chr20-43043248-C-T.
Other names: c.594C>T, p.Leu198= (NM_000457.6, NM_178849.3, NM_178850.3); c.528C>T, p.Leu176= (NM_001030003.3, NM_001030004.3); c.573C>T, p.Leu191= (NM_001258355.2); c.519C>T, p.Leu173= (NM_001287182.2, NM_001287183.2, NM_001287184.2).
Identifiers: ClinVar variation 3624049 (VCV003624049.3).
Genomic context (GRCh38, chr20:44,414,608, plus strand): 5'-GAAGAAGATTGCCAGCATCGCAGATGTGTGTGAGTCCATGAAGGAGCAGCTGCTGGTTCT[C>T]GTTGAGTGGGCCAAGTACATCCCAGCTTTCTGCGAGCTCCCCCTGGACGACCAGGTGAGG-3'
Protein context (NP_787110.2, residues 166-186): CESMKEQLLV[Leu176=]VEWAKYIPAF